The following is an entry in ClinVar:

NM_004168.4(SDHA):c.1968C>A (p.Thr656=)

Gene: SDHA (succinate dehydrogenase complex flavoprotein subunit A; plus strand). Cytogenetic location: 5p15.33.
Variant type: single nucleotide variant.
Coding change: c.1968C>A on transcript NM_004168.4 (MANE Select); coding-DNA position 1968, C replaced by A.
Protein change: p.Thr656=; no amino-acid change (threonine 656 retained).
Molecular consequence: synonymous variant.
Genome position (GRCh38, 1-based): chr5:256,393, C>A. VCF-style: chr5-256393-C-A. GRCh37 (hg19) VCF-style: chr5-256508-C-A.
Other names: c.1824C>A, p.Thr608= (NM_001294332.2); c.1725C>A, p.Thr575= (NM_001330758.2).
Identifiers: ClinVar variation 3438666 (VCV003438666.4).
Genomic context (GRCh38, chr5:256,393, plus strand): 5'-GGTCACTCTGGAATATAGACCCGTGATCGACAAAACTTTGAACGAGGCTGACTGTGCCAC[C>A]GTCCCGCCAGCCATTCGCTCCTACTGATGAGACAAGATGTGGTGATGACAGAATCAGCTT-3'
Protein context (NP_004159.2, residues 646-664): DKTLNEADCA[Thr656=]VPPAIRSY

ClinVar aggregate classification (germline): Benign/Likely benign. Review status: criteria provided, multiple submitters, no conflicts (2 of 4 stars). 3 submissions from 3 submitters: Benign (1); Likely benign (2). Last evaluated 2025-03-11.

Conditions:
Pheochromocytoma/paraganglioma syndrome 5. Also called: Paragangliomas 5; SDHA-Related Hereditary Paraganglioma-Pheochromocytoma Syndrome. Identifiers: Orphanet 29072, MedGen C3279992, MONDO:0013602, OMIM 614165.
Hereditary cancer-predisposing syndrome. Also called: Neoplastic Syndromes, Hereditary; Tumor predisposition; Hereditary Cancer Syndrome; Hereditary neoplastic syndrome. Identifiers: Orphanet 140162, MedGen C0027672, MeSH D009386, MONDO:0015356.
Mitochondrial complex II deficiency, nuclear type 1. Also called: SUCCINATE CoQ REDUCTASE DEFICIENCY. Identifiers: Orphanet 3208, MedGen C5700310, MONDO:0100294, OMIM 252011.

Submissions (3):

Myriad Genetics, Inc.
Classification: Benign for Pheochromocytoma/paraganglioma syndrome 5. Last evaluated: 2025-03-11. Review status: criteria provided, single submitter. Criteria: Myriad Autosomal Dominant, Autosomal Recessive and X-Linked Classification Criteria (2023). Collection method: clinical testing. Allele origin: unknown.
Comment: This variant is considered benign. This variant is a silent/synonymous amino acid change and it is not expected to impact splicing.

Ambry Genetics
Classification: Likely benign for Hereditary cancer-predisposing syndrome. Last evaluated: 2024-07-23. Review status: criteria provided, single submitter. Criteria: Ambry Variant Classification Scheme 2023. Collection method: clinical testing. Allele origin: germline.

Labcorp Genetics (formerly Invitae), Labcorp
Classification: Likely benign for Pheochromocytoma/paraganglioma syndrome 5; Mitochondrial complex II deficiency, nuclear type 1. Last evaluated: 2024-06-29. Review status: criteria provided, single submitter. Criteria: Invitae Variant Classification Sherloc (09022015). Collection method: clinical testing. Allele origin: germline.